The following is an entry in ClinVar:

NM_000037.4(ANK1):c.4000C>T (p.Arg1334Ter)

Gene: ANK1 (ankyrin 1; minus strand). Cytogenetic location: 8p11.21.
Variant type: single nucleotide variant.
Coding change: c.4000C>T on transcript NM_000037.4 (MANE Select); coding-DNA position 4000, C replaced by T.
Protein change: p.Arg1334Ter; replaces arginine 1334 with a stop codon.
Molecular consequence: nonsense.
Genome position (GRCh38, 1-based): chr8:41,690,331, G>A on the plus strand (C>T on the coding strand, the complement: ANK1 is on the minus strand). VCF-style: chr8-41690331-G-A. GRCh37 (hg19) VCF-style: chr8-41547849-G-A.
Other names: c.4123C>T, p.Arg1375Ter (NM_001142446.2); c.4000C>T, p.Arg1334Ter (NM_020475.3, NM_020476.3, NM_020477.3); short protein forms R1334*, R1375*.
Identifiers: ClinVar variation 1163881 (VCV001163881.13), dbSNP rs1172677213, ClinGen allele CA371058175.

ClinVar aggregate classification (germline): Pathogenic/Likely pathogenic. Review status: criteria provided, multiple submitters, no conflicts (2 of 4 stars). 6 submissions from 6 submitters: Pathogenic (5); Likely pathogenic (1). Last evaluated 2025-05-07.

Conditions:
Hereditary spherocytosis type 1. Also called: Spherocytosis type 1; ANK1-Related Spherocytosis. Identifiers: Orphanet 822, MedGen C2674218, MONDO:0008447, OMIM 182900.

Allele frequency attached by ClinVar (database versions not stated): gnomAD exomes below 0.00001.
gnomAD v4.1: 1 of 1,614,214 alleles (0.000062%); highest among the groups gnomAD compares: Non-Finnish European, 0.000085%; no homozygotes.

Submissions (6):

ARUP Laboratories, Molecular Genetics and Genomics, ARUP Laboratories
Classification: Pathogenic for Hereditary spherocytosis type 1. Last evaluated: 2025-05-07. Review status: criteria provided, single submitter. Criteria: ARUP Molecular Germline Variant Investigation Process 2024. Collection method: clinical testing. Allele origin: germline.
Comment: The ANK1 c.4000C>T; p.Arg1334Ter variant (rs1172677213, ClinVar Variation ID: 1163881), also known in the literature as c.4123C>T; p.Arg1375Ter, is reported to co-segregate in individuals affected with spherocytosis (Agarwal 2016, Lazzareschi 2019, Tole 2020, Wu 2024). This variant is absent from the Genome Aggregation Database (v2.1.1), indicating it is not a common polymorphism. This variant induces an early termination codon and is predicted to result in a truncated protein or mRNA subject to nonsense-mediated decay. Based on available information, this variant is considered to be pathogenic. References: Agarwal AM et al. Clinical utility of next-generation sequencing in the diagnosis of hereditary haemolytic anaemias. Br J Haematol. 2016 Sep. PMID: 27292444. Lazzareschi I et al. A previously unrecognized Ankyrin-1 mutation associated with Hereditary Spherocytosis in an Italian family. Eur J Haematol. 2019 Nov. PMID: 31400153. Tole S et al. Genotype-phenotype correlation in children with hereditary spherocytosis. Br J Haematol. 2020 Nov. PMID: 32436265. Wu C et al. Clinical and genetic characteristics of Chinese pediatric and adult patients with hereditary spherocytosis. Orphanet J Rare Dis. 2024 Jul 24. PMID: 39044243.

Revvity Omics, Revvity
Classification: Pathogenic for Hereditary spherocytosis type 1. Last evaluated: 2024-12-20. Review status: criteria provided, single submitter. Criteria: ACMG Guidelines, 2015. Collection method: clinical testing. Allele origin: germline.

Labcorp Genetics (formerly Invitae), Labcorp
Classification: Pathogenic. Last evaluated: 2024-12-17. Review status: criteria provided, single submitter. Criteria: Invitae Variant Classification Sherloc (09022015). Collection method: clinical testing. Allele origin: germline.
Comment: This sequence change creates a premature translational stop signal (p.Arg1334*) in the ANK1 gene. It is expected to result in an absent or disrupted protein product. Loss-of-function variants in ANK1 are known to be pathogenic (PMID: 8640229). This variant is not present in population databases (gnomAD no frequency). This premature translational stop signal has been observed in individual(s) with hereditary spherocytosis (PMID: 32436265, 33868383). This variant is also known as c.4123C>T. ClinVar contains an entry for this variant (Variation ID: 1163881). For these reasons, this variant has been classified as Pathogenic.

HudsonAlpha Institute for Biotechnology
Classification: Pathogenic for Hereditary spherocytosis type 1. Last evaluated: 2021-07-22. Review status: criteria provided, single submitter. Criteria: ACMG Guidelines, 2015. Collection method: research. Allele origin: maternal. Affected: yes. Observed: 1 variant allele. Study: CSER-SouthSeq.
Comment: ACMG codes: PVS1; PM2; PP5

Mayo Clinic Laboratories, Mayo Clinic
Classification: Pathogenic. Last evaluated: 2020-01-06. Review status: criteria provided, single submitter. Criteria: ACMG Guidelines, 2015. Collection method: clinical testing. Allele origin: germline. Observed: 1 variant allele.
Comment: PVS1, PS4_Moderate, PM2

Neuberg Centre For Genomic Medicine, NCGM
Classification: Likely pathogenic for Hereditary spherocytosis type 1. Review status: criteria provided, single submitter. Criteria: ACMG Guidelines, 2015. Collection method: clinical testing. Allele origin: germline. Inheritance: Autosomal dominant inheritance. Affected: yes.
Comment: The stop gained c.4000C>Tp.Arg1334Ter variant in ANK1 gene has not been reported previously as a pathogenic variant nor as a benign variant, to our knowledge. This variant is novel not in any individuals in gnomAD Exomes and 1000 Genomes. This variant has been reported to the ClinVar database as Pathogenic by multiple submitters. However, no details are available for independent assessment. This variant is predicted to cause loss of normal protein function either through protein truncation or nonsense-mediated mRNA decay. Loss of function variants have been previously reported to be disease causing. For these reasons, this variant has been classified as Likely Pathogenic.

Literature cited by the submitters: PubMed 8640229 (cited by Labcorp Genetics (formerly Invitae), Labcorp); PubMed 32436265 (cited by Labcorp Genetics (formerly Invitae), Labcorp); PubMed 33868383 (cited by Labcorp Genetics (formerly Invitae), Labcorp); PubMed 27292444 (cited by Mayo Clinic Laboratories, Mayo Clinic).